The following is an entry in ClinVar:

NM_002471.4(MYH6):c.5788G>T (p.Gly1930Cys)

Gene: MYH6 (myosin heavy chain 6; minus strand). Cytogenetic location: 14q11.2.
Variant type: single nucleotide variant.
Coding change: c.5788G>T on transcript NM_002471.4 (MANE Select); coding-DNA position 5788, G replaced by T.
Protein change: p.Gly1930Cys; replaces glycine 1930 with cysteine.
Molecular consequence: missense variant.
Genome position (GRCh38, 1-based): chr14:23,382,436, C>A on the plus strand (G>T on the coding strand, the complement: MYH6 is on the minus strand). VCF-style: chr14-23382436-C-A. GRCh37 (hg19) VCF-style: chr14-23851645-C-A.
Other names: short protein forms G1930C.
Identifiers: ClinVar variation 4691547 (VCV004691547.1).

ClinVar aggregate classification (germline): Uncertain significance (1 of 4 stars; one submission).

Conditions:
Hypertrophic cardiomyopathy 14. Identifiers: MedGen C2750467, MONDO:0013197, OMIM 613251.

gnomAD v4.1: 1 of 1,614,114 alleles (0.000062%); highest among the groups gnomAD compares: Non-Finnish European, 0.000085%; no homozygotes.

Submission:

Labcorp Genetics (formerly Invitae), Labcorp
Classification: Uncertain significance for Hypertrophic cardiomyopathy 14. Last evaluated: 2025-02-20. Review status: criteria provided, single submitter. Criteria: Invitae Variant Classification Sherloc (09022015). Collection method: clinical testing. Allele origin: germline.
Comment: This sequence change replaces glycine, which is neutral and non-polar, with cysteine, which is neutral and slightly polar, at codon 1930 of the MYH6 protein (p.Gly1930Cys). This variant is not present in population databases (gnomAD no frequency). This variant has not been reported in the literature in individuals affected with MYH6-related conditions. An algorithm developed to predict the effect of missense changes on protein structure and function (PolyPhen-2) suggests that this variant is likely to be disruptive. In summary, the available evidence is currently insufficient to determine the role of this variant in disease. Therefore, it has been classified as a Variant of Uncertain Significance.